The following is an entry in ClinVar:

ClinVar aggregate classification (germline): Uncertain significance (1 of 4 stars; one submission).

Conditions:
Charcot-Marie-Tooth disease recessive intermediate C. Also called: CHARCOT-MARIE-TOOTH NEUROPATHY, RECESSIVE INTERMEDIATE C. Identifiers: Orphanet 369867, MedGen C3809309, MONDO:0014154, OMIM 615376.
Neuronopathy, distal hereditary motor, autosomal recessive 4. Also called: Autosomal recessive lower motor neuron disease with childhood onset; NEUROPATHY, DISTAL HEREDITARY MOTOR, AUTOSOMAL RECESSIVE 4. Identifiers: Orphanet 206580, MedGen C1970211, MONDO:0012608, OMIM 611067.

Submission:

Labcorp Genetics (formerly Invitae), Labcorp
Classification: Uncertain significance for Neuronopathy, distal hereditary motor, autosomal recessive 4; Charcot-Marie-Tooth disease recessive intermediate C. Last evaluated: 2021-07-31. Review status: criteria provided, single submitter. Criteria: Invitae Variant Classification Sherloc (09022015). Collection method: clinical testing. Allele origin: germline.
Comment: This sequence change replaces aspartic acid with glutamic acid at codon 163 of the PLEKHG5 protein (p.Asp163Glu). The aspartic acid residue is moderately conserved and there is a small physicochemical difference between aspartic acid and glutamic acid. This variant is not present in population databases (ExAC no frequency). This variant has not been reported in the literature in individuals affected with PLEKHG5-related conditions. Algorithms developed to predict the effect of missense changes on protein structure and function are either unavailable or do not agree on the potential impact of this missense change (SIFT: "Tolerated"; PolyPhen-2: "Possibly Damaging"; Align-GVGD: "Class C0"). In summary, the available evidence is currently insufficient to determine the role of this variant in disease. Therefore, it has been classified as a Variant of Uncertain Significance.

NM_020631.6(PLEKHG5):c.489C>G (p.Asp163Glu)

Gene: PLEKHG5 (pleckstrin homology and RhoGEF domain containing G5; minus strand). Cytogenetic location: 1p36.31.
Variant type: single nucleotide variant.
Coding change: c.489C>G on transcript NM_020631.6 (MANE Select); coding-DNA position 489, C replaced by G.
Protein change: p.Asp163Glu; replaces aspartic acid 163 with glutamic acid.
Molecular consequence: missense variant.
Genome position (GRCh38, 1-based): chr1:6,474,115, G>C on the plus strand (C>G on the coding strand, the complement: PLEKHG5 is on the minus strand). VCF-style: chr1-6474115-G-C. GRCh37 (hg19) VCF-style: chr1-6534175-G-C.
Other names: c.600C>G, p.Asp200Glu (NM_001042663.3, NM_001265592.2); c.489C>G, p.Asp163Glu (NM_001042664.2, NM_001042665.2, NM_001265594.3 and 1 more transcripts); c.696C>G, p.Asp232Glu (NM_001265593.2); short protein forms D200E, D232E, D163E.
Identifiers: ClinVar variation 1962649 (VCV001962649.5), dbSNP rs1644685045, ClinGen allele CA338138766.